The following is an entry in ClinVar:

ClinVar aggregate classification (germline): Conflicting classifications of pathogenicity. Review status: criteria provided, conflicting classifications (1 of 4 stars). 5 submissions from 5 submitters: Uncertain significance (4); Likely benign (1). Last evaluated 2026-09-13.

Conditions:
Marfan syndrome (MFS). Also called: MARFAN SYNDROME, TYPE I; Marfan syndrome type 1; Marfan's syndrome; Marfan syndrome, classic; FBN1-Related Marfan Syndrome. Identifiers: Orphanet 284963, Orphanet 558, MedGen C0024796, MONDO:0007947, OMIM 154700.
Familial thoracic aortic aneurysm and aortic dissection (TAAD). Also called: Thoracic aortic aneurysms and dissections. Identifiers: Orphanet 91387, MedGen C4707243, MONDO:0019625.

Allele frequency attached by ClinVar (database versions not stated): ExAC 0.00001; TOPMed 0.00001; gnomAD exomes 0.00002 and 0.00001; gnomAD 0.00001.
gnomAD v4.1: 19 of 1,613,938 alleles (0.0012%); highest among the groups gnomAD compares: East Asian, 0.0067%; no homozygotes.

Submissions (5):

Ambry Genetics
Classification: Uncertain significance for Familial thoracic aortic aneurysm and aortic dissection. Last evaluated: 2026-09-13. Review status: criteria provided, single submitter. Criteria: Ambry Variant Classification Scheme 2023. Collection method: clinical testing. Allele origin: germline.
Comment: The p.I844T variant (also known as c.2531T>C), located in coding exon 20 of the FBN1 gene, results from a T to C substitution at nucleotide position 2531. The isoleucine at codon 844 is replaced by threonine, an amino acid with similar properties. This amino acid position is conserved. In addition, the in silico prediction for this alteration is inconclusive. Based on the available evidence, the clinical significance of this variant remains unclear.

Labcorp Genetics (formerly Invitae), Labcorp
Classification: Likely benign for Marfan syndrome; Familial thoracic aortic aneurysm and aortic dissection. Last evaluated: 2025-10-22. Review status: criteria provided, single submitter. Criteria: Invitae Variant Classification Sherloc (09022015). Collection method: clinical testing. Allele origin: germline.

Color Diagnostics, LLC DBA Color Health
Classification: Uncertain significance for Familial thoracic aortic aneurysm and aortic dissection. Last evaluated: 2024-08-27. Review status: criteria provided, single submitter. Criteria: ACMG Guidelines, 2015. Collection method: clinical testing. Allele origin: germline.
Comment: This missense variant replaces isoleucine with threonine at codon 844 of the FBN1 protein. Computational prediction tools indicate that this variant has a neutral impact on protein structure and function. To our knowledge, functional studies have not been reported for this variant. This variant has not been reported in individuals affected with FBN1-related disorders in the literature. This variant has been identified in 5/282452 chromosomes in the general population by the Genome Aggregation Database (gnomAD). The available evidence is insufficient to determine the role of this variant in disease conclusively. Therefore, this variant is classified as a Variant of Uncertain Significance.

All of Us Research Program, National Institutes of Health
Classification: Uncertain significance for Marfan syndrome. Last evaluated: 2023-12-01. Review status: criteria provided, single submitter. Criteria: ACMG Guidelines, 2015. Collection method: clinical testing. Allele origin: germline. Inheritance: Autosomal dominant inheritance. Observed: 3 variant alleles, 3 heterozygotes.
Comment: This missense variant replaces isoleucine with threonine at codon 844 of the FBN1 protein. Computational prediction tool suggests that this variant may not impact protein structure and function (internally defined REVEL score threshold <=0.5, PMID: 27666373). Splice site prediction tools suggest that this variant may not impact RNA splicing. To our knowledge, functional studies have not been performed for this variant. This variant has not been reported in individuals affected with cardiovascular disorders in the literature. This variant has been identified in 5/282452 chromosomes in the general population by the Genome Aggregation Database (gnomAD). The available evidence is insufficient to determine the role of this variant in disease conclusively. Therefore, this variant is classified as a Variant of Uncertain Significance.

This study involves interpretation of variants in research participants for the purpose of population health screening. Participant phenotype was not available at the time of variant classification. Additional details can be found in publication PMID: 35346344, PMCID: PMC8962531

GeneDx
Classification: Uncertain significance. Last evaluated: 2019-11-17. Review status: criteria provided, single submitter. Criteria: GeneDx Variant Classification Process June 2021. Collection method: clinical testing. Allele origin: germline. Affected: yes.
Comment: Not observed at a significant frequency in large population cohorts (Lek et al., 2016); In silico analysis, which includes protein predictors and evolutionary conservation, supports a deleterious effect; Has not been previously published as pathogenic or benign to our knowledge

NM_000138.5(FBN1):c.2531T>C (p.Ile844Thr)

Gene: FBN1 (fibrillin 1; minus strand). Cytogenetic location: 15q21.1.
Variant type: single nucleotide variant.
Coding change: c.2531T>C on transcript NM_000138.5 (MANE Select); coding-DNA position 2531, T replaced by C.
Protein change: p.Ile844Thr; replaces isoleucine 844 with threonine.
Molecular consequence: missense variant.
Genome position (GRCh38, 1-based): chr15:48,495,477, A>G on the plus strand (T>C on the coding strand, the complement: FBN1 is on the minus strand). VCF-style: chr15-48495477-A-G. GRCh37 (hg19) VCF-style: chr15-48787674-A-G.
Other names: short protein forms I844T.
Identifiers: ClinVar variation 922855 (VCV000922855.13), dbSNP rs751564716, ClinGen allele CA047900.